The following is an entry in ClinVar:

ClinVar aggregate classification (germline): Uncertain significance (1 of 4 stars; one submission).

Conditions:
Inborn genetic diseases. Identifiers: MedGen C0950123, MeSH D030342.

Submission:

Ambry Genetics
Classification: Uncertain significance for Inborn genetic diseases. Last evaluated: 2025-02-27. Review status: criteria provided, single submitter. Criteria: Ambry Variant Classification Scheme 2023. Collection method: clinical testing. Allele origin: germline.
Comment: The p.H1277R variant (also known as c.3830A>G), located in coding exon 26 of the ANKRD26 gene, results from an A to G substitution at nucleotide position 3830. The histidine at codon 1277 is replaced by arginine, an amino acid with highly similar properties. This amino acid position is conserved. In addition, this alteration is predicted to be tolerated by in silico analysis. Based on the available evidence, the clinical significance of this variant remains unclear.

NM_014915.3(ANKRD26):c.3830A>G (p.His1277Arg)

Gene: ANKRD26 (ankyrin repeat domain containing 26; minus strand). Cytogenetic location: 10p12.1.
Variant type: single nucleotide variant.
Coding change: c.3830A>G on transcript NM_014915.3 (MANE Select); coding-DNA position 3830, A replaced by G.
Protein change: p.His1277Arg; replaces histidine 1277 with arginine.
Molecular consequence: missense variant.
Genome position (GRCh38, 1-based): chr10:27,029,334, T>C on the plus strand (A>G on the coding strand, the complement: ANKRD26 is on the minus strand). VCF-style: chr10-27029334-T-C. GRCh37 (hg19) VCF-style: chr10-27318263-T-C.
Other names: c.3827A>G, p.His1276Arg (NM_001256053.2); short protein forms H1277R, H1276R.
Identifiers: ClinVar variation 3871812 (VCV003871812.1).